The following is an entry in ClinVar:

NM_001114753.3(ENG):c.1682_1686+15del

Genes: ENG (endoglin; minus strand), LOC102723566 (uncharacterized LOC102723566; plus strand). Cytogenetic location: 9q34.11.
Variant type: Deletion.
Coding change: c.1682_1686+15del on transcript NM_001114753.3 (MANE Select); coding-DNA position 1682 through 15 bases into the intron after coding-DNA position 1686, 20 bases deleted (ACCAGGTGAGTGGGGCCTGG).
Molecular consequence: splice donor variant.
Genome position (GRCh38, 1-based): chr9:127,818,105-127,818,124, CCAGGCCCCACTCACCTGGT deleted on the plus strand (ACCAGGTGAGTGGGGCCTGG on the coding strand, the reverse complement: ENG is on the minus strand); deleting any 20 consecutive bases within chr9:127,818,105-127,818,125 gives the same sequence; the c. name uses the placement nearest the transcript's 3' end. VCF-style (leftmost placement, unchanged base first): chr9-127818104-CCCAGGCCCCACTCACCTGGT-C. GRCh37 (hg19) VCF-style: chr9-130580383-CCCAGGCCCCACTCACCTGGT-C.
Other names: c.1682_1686+15del (NM_000118.4); c.1136_1140+15del (NM_001278138.2).
Identifiers: ClinVar variation 1777928 (VCV001777928.3), dbSNP rs2539059011, ClinGen allele CA2580079618.

ClinVar aggregate classification (germline): Pathogenic (1 of 4 stars; one submission).

Conditions:
Cardiovascular phenotype. Identifiers: MedGen CN230736.

Submission:

Ambry Genetics
Classification: Pathogenic for Cardiovascular phenotype. Last evaluated: 2026-03-12. Review status: criteria provided, single submitter. Criteria: Ambry Variant Classification Scheme 2023. Collection method: clinical testing. Allele origin: germline.
Comment: The c.1682_1686+15del20 pathogenic mutation, located at the boundary of coding exon 12 and intron 12 of the ENG gene, results from a deletion of 20 nucleotides between nucleotide positions 1682 and 1686+15. This alteration is predicted to disrupt the canonical splice donor sequence and result in the deletion of 5 nucleotides from coding exon 12 creating a disruption within the reading frame. This nucleotide region ranges from not well conserved to highly conserved in available vertebrate species. In silico splice site analysis predicts that this alteration will weaken the native splice donor site and will result in the creation or strengthening of a novel splice donor site. Variants that disrupt the canonical splice site are expected to cause aberrant splicing, resulting in an abnormal protein or a transcript that is subject to nonsense-mediated mRNA decay. As such, this variant is classified as a disease-causing mutation.